The following is an entry in ClinVar:

NM_052947.4(ALPK2):c.6463A>G (p.Met2155Val)

Gene: ALPK2 (alpha kinase 2; minus strand). Cytogenetic location: 18q21.31.
Variant type: single nucleotide variant.
Coding change: c.6463A>G on transcript NM_052947.4 (MANE Select); coding-DNA position 6463, A replaced by G.
Protein change: p.Met2155Val; replaces methionine 2155 with valine.
Molecular consequence: missense variant.
Genome position (GRCh38, 1-based): chr18:58,481,873, T>C on the plus strand (A>G on the coding strand, the complement: ALPK2 is on the minus strand). VCF-style: chr18-58481873-T-C. GRCh37 (hg19) VCF-style: chr18-56149105-T-C.
Other names: short protein forms M2155V.
Identifiers: ClinVar variation 1753669 (VCV001753669.3), dbSNP rs143495285, ClinGen allele CA8976148.

ClinVar aggregate classification (germline): Uncertain significance (1 of 4 stars; one submission).

Allele frequency attached by ClinVar (database versions not stated): gnomAD exomes 0.00001; ExAC 0.00002; TOPMed 0.00002; gnomAD 0.00003; ESP Exome Variant Server 0.00008; 1000 Genomes Project 0.00020; 1000 Genomes Project 30x 0.00031.
gnomAD v4.1: 14 of 1,614,080 alleles (0.00087%); highest among the groups gnomAD compares: African/African-American, 0.015%; no homozygotes.

Submission:

Ambry Genetics
Classification: Uncertain significance. Last evaluated: 2023-07-23. Review status: criteria provided, single submitter. Criteria: Ambry Variant Classification Scheme 2023. Collection method: clinical testing. Allele origin: germline.
Comment: The p.M2155V variant (also known as c.6463A>G), located in coding exon 12 of the ALPK2 gene, results from an A to G substitution at nucleotide position 6463. The methionine at codon 2155 is replaced by valine, an amino acid with highly similar properties. This amino acid position is conserved. In addition, this alteration is predicted to be tolerated by in silico analysis. Since supporting evidence is limited at this time, the clinical significance of this alteration remains unclear.